The following is an entry in ClinVar:

NM_000051.4(ATM):c.2296A>G (p.Lys766Glu)

Gene: ATM (ATM serine/threonine kinase; plus strand). Cytogenetic location: 11q22.3.
Variant type: single nucleotide variant.
Coding change: c.2296A>G on transcript NM_000051.4 (MANE Select); coding-DNA position 2296, A replaced by G.
Protein change: p.Lys766Glu; replaces lysine 766 with glutamic acid.
Molecular consequence: missense variant.
Genome position (GRCh38, 1-based): chr11:108,257,526, A>G. VCF-style: chr11-108257526-A-G. GRCh37 (hg19) VCF-style: chr11-108128253-A-G.
Other names: c.2296A>G, p.Lys766Glu (NM_001351834.2); short protein forms K766E.
Identifiers: ClinVar variation 479049 (VCV000479049.7), dbSNP rs748125666, ClinGen allele CA382539774.

ClinVar aggregate classification (germline): Uncertain significance. Review status: criteria provided, single submitter (1 of 4 stars). 2 submissions from 2 submitters: Uncertain significance (1). 1 of the submissions does not count toward it. Last evaluated 2023-02-21.

Conditions:
Hereditary cancer-predisposing syndrome. Also called: Tumor predisposition; Neoplastic Syndromes, Hereditary; Hereditary Cancer Syndrome; Hereditary neoplastic syndrome. Identifiers: Orphanet 140162, MedGen C0027672, MeSH D009386, MONDO:0015356.
Ataxia-telangiectasia syndrome (AT). Also called: Cerebello-oculocutaneous telangiectasia; Immunodeficiency with ataxia telangiectasia; ATAXIA-TELANGIECTASIA, COMPLEMENTATION GROUP A; Ataxia-telangiectasia, complementation group D; AT, COMPLEMENTATION GROUP C; ATAXIA-TELANGIECTASIA, FRESNO VARIANT. Identifiers: Orphanet 100, MedGen C0004135, MONDO:0008840, OMIM 208900.

Allele frequency attached by ClinVar (database versions not stated): gnomAD exomes below 0.00001.
gnomAD v4.1: 1 of 1,613,984 alleles (0.000062%); highest among the groups gnomAD compares: South Asian, 0.0011%; no homozygotes.

Submissions (2):

Ambry Genetics
Classification: Uncertain significance for Hereditary cancer-predisposing syndrome. Last evaluated: 2023-02-21. Review status: criteria provided, single submitter. Criteria: Ambry Variant Classification Scheme 2023. Collection method: clinical testing. Allele origin: germline.
Comment: The p.K766E variant (also known as c.2296A>G), located in coding exon 14 of the ATM gene, results from an A to G substitution at nucleotide position 2296. The lysine at codon 766 is replaced by glutamic acid, an amino acid with similar properties. This amino acid position is highly conserved in available vertebrate species. In addition, this alteration is predicted to be deleterious by in silico analysis. Since supporting evidence is limited at this time, the clinical significance of this alteration remains unclear.

Natera, Inc.
Classification: Uncertain significance for Ataxia-telangiectasia. Last evaluated: 2020-09-16. Review status: no assertion criteria provided. Collection method: clinical testing. Allele origin: germline. Not counted in ClinVar's aggregate classification.